The following is an entry in ClinVar:

ClinVar aggregate classification (germline): Uncertain significance. Review status: criteria provided, single submitter (1 of 4 stars). 2 submissions from 2 submitters: Uncertain significance (1). 1 of the submissions does not count toward it. Last evaluated 2025-07-23.

Conditions:
HEMOGLOBIN TOULON.

Submissions (2):

Women's Health and Genetics/Laboratory Corporation of America, LabCorp
Classification: Uncertain significance. Last evaluated: 2025-07-23. Review status: criteria provided, single submitter. Criteria: LabCorp Variant Classification Summary - May 2015. Collection method: clinical testing. Allele origin: germline.
Comment: Variant summary: HBA2 c.233C>A (p.Pro78His), also reported as legacy name Hb Toulon/[77(EF6)ProHis], results in a non-conservative amino acid change in the encoded protein sequence. Algorithms developed to predict the effect of missense changes on protein structure and function are either unavailable or do not agree on the potential impact of this missense change. The frequency data for this variant in gnomAD is considered unreliable, as metrics indicate poor data quality at this position. c.233C>A has been observed in multiple individual(s) undergoing hemoglobin genetic screening who did not present with hematological features of HBA2-related disease and at least 1 individual (zygosity unknown) with alpha thalassemia (example, Hashemi-Soteh_2020, Badens_1999, Caruso_2002). These report(s) do not provide unequivocal conclusions about association of the variant with Alpha Thalassemia. To our knowledge, no experimental evidence demonstrating an impact on protein function has been reported. The following publications have been ascertained in the context of this evaluation (PMID: 19657832, 17932132, 31478238, 21974826, 19500561, 10569726, 15229155, 19631200, 11186269, 38198563, 18923834, 12144065, 32420790, 27207683). ClinVar contains an entry for this variant (Variation ID: 15665). Based on the evidence outlined above, the variant was classified as uncertain significance.

OMIM
Classification: other for HEMOGLOBIN TOULON. Last evaluated: 2016-10-13. Review status: no assertion criteria provided. Collection method: literature only. Allele origin: germline. Not counted in ClinVar's aggregate classification.

Literature cited by the submitters: PubMed 12144065 (cited by Women's Health and Genetics/Laboratory Corporation of America, LabCorp and OMIM); PubMed 10569726 (cited by Women's Health and Genetics/Laboratory Corporation of America, LabCorp and OMIM); PubMed 17932132 (cited by Women's Health and Genetics/Laboratory Corporation of America, LabCorp); PubMed 27207683 (cited by Women's Health and Genetics/Laboratory Corporation of America, LabCorp); PubMed 19500561 (cited by Women's Health and Genetics/Laboratory Corporation of America, LabCorp); PubMed 19657832 (cited by Women's Health and Genetics/Laboratory Corporation of America, LabCorp); PubMed 32420790 (cited by Women's Health and Genetics/Laboratory Corporation of America, LabCorp); PubMed 18923834 (cited by Women's Health and Genetics/Laboratory Corporation of America, LabCorp); PubMed 38198563 (cited by Women's Health and Genetics/Laboratory Corporation of America, LabCorp); PubMed 11186269 (cited by Women's Health and Genetics/Laboratory Corporation of America, LabCorp and OMIM); PubMed 19631200 (cited by Women's Health and Genetics/Laboratory Corporation of America, LabCorp); PubMed 15229155 (cited by Women's Health and Genetics/Laboratory Corporation of America, LabCorp); PubMed 21974826 (cited by Women's Health and Genetics/Laboratory Corporation of America, LabCorp); PubMed 31478238 (cited by Women's Health and Genetics/Laboratory Corporation of America, LabCorp).

NM_000517.4(HBA2):c.233C>A (p.Pro78His)

Genes: HBA2 (hemoglobin subunit alpha 2; plus strand), LOC106804612 (hemoglobin subunit alpha 2 recombination region; plus strand). Cytogenetic location: 16p13.3.
Variant type: single nucleotide variant.
Coding change: c.233C>A on transcript NM_000517.4; coding-DNA position 233, C replaced by A.
Protein change: p.Pro78His; replaces proline 78 with histidine.
Molecular consequence: missense variant (on NM_000517.6).
Genome position (GRCh38, 1-based): chr16:173,262, C>A. VCF-style: chr16-173262-C-A. GRCh37 (hg19) VCF-style: chr16-223261-C-A.
Other names: P77H; c.233C>A, p.Pro78His (NM_000517.6); short protein forms P78H.
Identifiers: ClinVar variation 15665 (VCV000015665.4), dbSNP rs281864861, ClinGen allele CA125618.
Genomic context (GRCh38, chr16:173,262, plus strand): 5'-GCCACGGCAAGAAGGTGGCCGACGCGCTGACCAACGCCGTGGCGCACGTGGACGACATGC[C>A]CAACGCGCTGTCCGCCCTGAGCGACCTGCACGCGCACAAGCTTCGGGTGGACCCGGTCAA-3'
Protein context (NP_000508.1, residues 68-88): TNAVAHVDDM[Pro78His]NALSALSDLH